The following is an entry in ClinVar:

NM_030667.3(PTPRO):c.3497G>C (p.Gly1166Ala)

Gene: PTPRO (protein tyrosine phosphatase receptor type O; plus strand). Cytogenetic location: 12p12.3.
Variant type: single nucleotide variant.
Coding change: c.3497G>C on transcript NM_030667.3 (MANE Select); coding-DNA position 3497, G replaced by C.
Protein change: p.Gly1166Ala; replaces glycine 1166 with alanine.
Molecular consequence: missense variant.
Genome position (GRCh38, 1-based): chr12:15,589,541, G>C. VCF-style: chr12-15589541-G-C. GRCh37 (hg19) VCF-style: chr12-15742475-G-C.
Other names: c.3413G>C, p.Gly1138Ala (NM_002848.4); c.980G>C, p.Gly327Ala (NM_030668.3, NM_030670.3); c.1064G>C, p.Gly355Ala (NM_030669.3, NM_030671.3); short protein forms G1138A, G1166A, G327A, G355A.
Identifiers: ClinVar variation 981948 (VCV000981948.9), dbSNP rs528784695, ClinGen allele CA6467180.
Genomic context (GRCh38, chr12:15,589,541, plus strand): 5'-TCATTGCCCTGGACAGGCTCTTGCAGCACATTCGGGATCATGAGTTTGTTGACATCTTAG[G>C]GCTGGTGTCAGAAATGAGGTCATACCGGATGTCTATGGTACAGACAGAGGTAGGAACATA-3'
Protein context (NP_109592.1, residues 1156-1176): IRDHEFVDIL[Gly1166Ala]LVSEMRSYRM

ClinVar aggregate classification (germline): Conflicting classifications of pathogenicity. Review status: criteria provided, conflicting classifications (1 of 4 stars). 5 submissions from 5 submitters: Uncertain significance (1); Likely benign (3). 1 of the submissions does not count toward it. Last evaluated 2026-08-01.

Conditions:
Corticosteroids response. Also called: Corticosteroid response.
Nephrotic syndrome, type 6 (NPHS6). Identifiers: Orphanet 656, MedGen C3280100, MONDO:0013619, OMIM 614196.

Allele frequency attached by ClinVar (database versions not stated): gnomAD below 0.00001 and 0.00014; TOPMed 0.00002; gnomAD exomes 0.00044; ExAC 0.00050; 1000 Genomes Project 30x 0.00062; 1000 Genomes Project 0.00080.
gnomAD v4.1: 331 of 1,614,076 alleles (0.021%); highest among the groups gnomAD compares: South Asian, 0.32%; 3 homozygotes.

Submissions (5):

CeGaT Center for Human Genetics Tuebingen
Classification: Likely benign. Last evaluated: 2026-08-01. Review status: criteria provided, single submitter. Criteria: CeGaT Center For Human Genetics Tuebingen Variant Classification Criteria Version 2. Collection method: clinical testing. Allele origin: germline. Affected: yes. Observed: 1 variant allele.
Comment: PTPRO: BS2

Labcorp Genetics (formerly Invitae), Labcorp
Classification: Likely benign. Last evaluated: 2025-07-08. Review status: criteria provided, single submitter. Criteria: Invitae Variant Classification Sherloc (09022015). Collection method: clinical testing. Allele origin: germline.

Blueprint Genetics
Classification: Likely benign. Last evaluated: 2024-10-15. Review status: criteria provided, single submitter. Criteria: ACMG Guidelines, 2015. Collection method: clinical testing. Allele origin: germline.

Baylor Genetics
Classification: Uncertain significance for Nephrotic syndrome, type 6. Last evaluated: 2023-02-01. Review status: criteria provided, single submitter. Criteria: ACMG Guidelines, 2015. Collection method: clinical testing. Allele origin: unknown.

Genetic Testing Lab, Ashok and Rita Patel Institute of Integrated Study and Research in Biotechnology and Allied Sciences
Classification: drug response for Corticosteroid response. Last evaluated: 2020-01-12. Review status: no assertion criteria provided. Collection method: research. Allele origin: somatic. Affected: yes. Observed: 37 variant alleles. Not counted in ClinVar's aggregate classification.
Comment: Depending upon response to standard corticosteroid therapy, patients were classified to be either Steroid resistant (SRNS) or steroid sensitive (SSNS). Patients in remission within 4 weeks of corticosteroid therapy were classified as steroid sensitive nephrotic syndrome (SSNS). Patients not in remission within 4 weeks of corticosteroid therapy were classified as Steroid resistant nephrotic syndrome (SRNS).